The following is an entry in ClinVar:

NM_025216.3(WNT10A):c.234C>T (p.His78=)

Gene: WNT10A (Wnt family member 10A; plus strand). Cytogenetic location: 2q35.
Variant type: single nucleotide variant.
Coding change: c.234C>T on transcript NM_025216.3 (MANE Select); coding-DNA position 234, C replaced by T.
Protein change: p.His78=; no amino-acid change (histidine 78 retained).
Molecular consequence: synonymous variant.
Genome position (GRCh38, 1-based): chr2:218,882,281, C>T. VCF-style: chr2-218882281-C-T. GRCh37 (hg19) VCF-style: chr2-219747003-C-T.
Identifiers: ClinVar variation 704869 (VCV000704869.15), dbSNP rs199802454, ClinGen allele CA2113865.
Genomic context (GRCh38, chr2:218,882,281, plus strand): 5'-CACAGTGTGCCTAACATTGCCAGGCCTGAGCCGGCGGCAGATGGAGGTGTGTGTGCGTCA[C>T]CCTGATGTGGCTGCCTCAGCCATACAGGGCATCCAGATCGCCATCCACGAATGCCAACAC-3'
Protein context (NP_079492.2, residues 68-88): SRRQMEVCVR[His78=]PDVAASAIQG

ClinVar aggregate classification (germline): Benign/Likely benign. Review status: criteria provided, multiple submitters, no conflicts (2 of 4 stars). 5 submissions from 3 submitters: Benign (1); Likely benign (3). 1 of the submissions does not count toward it. Last evaluated 2024-05-20.

Conditions:
Odonto-onycho-dermal dysplasia. Identifiers: Orphanet 2721, MedGen C0796093, MONDO:0009773, OMIM 257980.
Tooth agenesis, selective, 4 (STHAG4). Also called: TOOTH AGENESIS, SELECTIVE, 4, WITH OR WITHOUT ECTODERMAL DYSPLASIA; SUCCEDANEOUS TEETH, AGENESIS OF; LATERAL INCISORS, ABSENCE OF; LATERAL INCISORS, PEGGED OR MISSING. Identifiers: Orphanet 99798, MedGen C1835492, MONDO:0007881, OMIM 150400. Disease mechanism: loss of function.
Schöpf-Schulz-Passarge syndrome. Also called: SchC6pf-Schulz-Passarge syndrome; ECCRINE TUMORS WITH ECTODERMAL DYSPLASIA; KERATOSIS PALMOPLANTARIS WITH CYSTIC EYELIDS, HYPODONTIA, AND HYPOTRICHOSIS. Identifiers: Orphanet 50944, MedGen C1857069, MONDO:0009145, OMIM 224750.

Allele frequency attached by ClinVar (database versions not stated): gnomAD 0.00025; ExAC 0.00026; gnomAD exomes 0.00041; TOPMed 0.00049; 1000 Genomes Project 30x 0.00094; 1000 Genomes Project 0.00100.

Submissions (5):

Labcorp Genetics (formerly Invitae), Labcorp
Classification: Benign for Tooth agenesis, selective, 4; Odonto-onycho-dermal dysplasia. Last evaluated: 2024-05-20. Review status: criteria provided, single submitter. Criteria: Invitae Variant Classification Sherloc (09022015). Collection method: clinical testing. Allele origin: germline.

Illumina Laboratory Services, Illumina
Classification: Likely benign for Odonto-onycho-dermal dysplasia. Last evaluated: 2018-01-13. Review status: criteria provided, single submitter. Criteria: ICSL Variant Classification Criteria 13 December 2019. Collection method: clinical testing. Allele origin: germline.
Comment: This variant was observed in the ICSL laboratory as part of a predisposition screen in an ostensibly healthy population. It had not been previously curated by ICSL or reported in the Human Gene Mutation Database (HGMD: prior to June 1st, 2018), and was therefore a candidate for classification through an automated scoring system. Utilizing variant allele frequency, disease prevalence and penetrance estimates, and inheritance mode, an automated score was calculated to assess if this variant is too frequent to cause the disease. Based on the score and internal cut-off values, a variant classified as likely benign is not then subjected to further curation. The score for this variant resulted in a classification of likely benign for this disease.

Illumina Laboratory Services, Illumina
Classification: Likely benign for Tooth agenesis, selective, 4. Last evaluated: 2018-01-13. Review status: criteria provided, single submitter. Criteria: ICSL Variant Classification Criteria 13 December 2019. Collection method: clinical testing. Allele origin: germline.
Comment: the same text as in the submission from Illumina Laboratory Services, Illumina above.

Illumina Laboratory Services, Illumina
Classification: Likely benign for Schöpf-Schulz-Passarge syndrome. Last evaluated: 2018-01-13. Review status: criteria provided, single submitter. Criteria: ICSL Variant Classification Criteria 13 December 2019. Collection method: clinical testing. Allele origin: germline.
Comment: the same text as in the submission from Illumina Laboratory Services, Illumina above.

Natera, Inc.
Classification: Benign for Schopf-Schulz-Passarge syndrome. Last evaluated: 2020-09-16. Review status: no assertion criteria provided. Collection method: clinical testing. Allele origin: germline. Not counted in ClinVar's aggregate classification.